The following is an entry in ClinVar:

NM_000141.5(FGFR2):c.560C>G (p.Pro187Arg)

Gene: FGFR2 (fibroblast growth factor receptor 2; minus strand). Cytogenetic location: 10q26.13.
Variant type: single nucleotide variant.
Coding change: c.560C>G on transcript NM_000141.5 (MANE Select); coding-DNA position 560, C replaced by G.
Protein change: p.Pro187Arg; replaces proline 187 with arginine.
Molecular consequence: missense variant. On other transcripts: non-coding transcript variant (1).
Genome position (GRCh38, 1-based): chr10:121,551,354, G>C on the plus strand (C>G on the coding strand, the complement: FGFR2 is on the minus strand). VCF-style: chr10-121551354-G-C. GRCh37 (hg19) VCF-style: chr10-123310868-G-C.
Other names: c.560C>G, p.Pro187Arg (NM_001144913.1, NM_001144914.1, NM_001144917.2 and 2 more transcripts); c.293C>G, p.Pro98Arg (NM_001144915.2, NM_001144919.2, NM_023029.3); c.215C>G, p.Pro72Arg (NM_001144916.2, NM_001144918.2); short protein forms P187R, P72R, P98R.
Identifiers: ClinVar variation 3233841 (VCV003233841.2), dbSNP rs1564972481, ClinGen allele CA378319841.

ClinVar aggregate classification (germline): Uncertain significance (1 of 4 stars; one submission).

Submission:

Women's Health and Genetics/Laboratory Corporation of America, LabCorp
Classification: Uncertain significance. Last evaluated: 2024-03-21. Review status: criteria provided, single submitter. Criteria: LabCorp Variant Classification Summary - May 2015. Collection method: clinical testing. Allele origin: germline.
Comment: Variant summary: FGFR2 c.560C>G (p.Pro187Arg) results in a non-conservative amino acid change located in the Immunoglobulin subtype 2 domain (IPR003598) of the encoded protein sequence. Five of five in-silico tools predict a damaging effect of the variant on protein function. The variant was absent in 251472 control chromosomes (gnomAD). The available data on variant occurrences in the general population are insufficient to allow any conclusion about variant significance. To our knowledge, no occurrence of c.560C>G in individuals affected with FGFR2-Related Disorders and no experimental evidence demonstrating its impact on protein function have been reported. No submitters have cited clinical-significance assessments for this variant to ClinVar. Based on the evidence outlined above, the variant was classified as uncertain significance.